The following is an entry in ClinVar:

NM_014244.5(ADAMTS2):c.2569G>A (p.Glu857Lys)

Gene: ADAMTS2 (ADAM metallopeptidase with thrombospondin type 1 motif 2; minus strand). Cytogenetic location: 5q35.3.
Variant type: single nucleotide variant.
Coding change: c.2569G>A on transcript NM_014244.5 (MANE Select); coding-DNA position 2569, G replaced by A.
Protein change: p.Glu857Lys; replaces glutamic acid 857 with lysine.
Molecular consequence: missense variant.
Genome position (GRCh38, 1-based): chr5:179,128,007, C>T on the plus strand (G>A on the coding strand, the complement: ADAMTS2 is on the minus strand). VCF-style: chr5-179128007-C-T. GRCh37 (hg19) VCF-style: chr5-178555008-C-T.
Other names: short protein forms E857K.
Identifiers: ClinVar variation 2195800 (VCV002195800.1), dbSNP rs747653130, ClinGen allele CA3595515.

ClinVar aggregate classification (germline): Uncertain significance (1 of 4 stars; one submission).

Conditions:
Ehlers-Danlos syndrome, dermatosparaxis type. Also called: EDS VIIC; Dermatosparaxis; Ehlers-Danlos syndrome, type VII, autosomal recessive. Identifiers: Orphanet 1901, MedGen C2700425, MONDO:0009161, OMIM 225410.

Allele frequency attached by ClinVar (database versions not stated): gnomAD exomes 0.00001; TOPMed 0.00001; ExAC 0.00002; gnomAD 0.00002.
gnomAD v4.1: 20 of 1,613,976 alleles (0.0012%); highest among the groups gnomAD compares: Middle Eastern, 0.016%; no homozygotes.

Submission:

Labcorp Genetics (formerly Invitae), Labcorp
Classification: Uncertain significance for Ehlers-Danlos syndrome, dermatosparaxis type. Last evaluated: 2021-09-17. Review status: criteria provided, single submitter. Criteria: Invitae Variant Classification Sherloc (09022015). Collection method: clinical testing. Allele origin: germline.
Comment: This sequence change replaces glutamic acid with lysine at codon 857 of the ADAMTS2 protein (p.Glu857Lys). The glutamic acid residue is highly conserved and there is a small physicochemical difference between glutamic acid and lysine. This variant is present in population databases (rs747653130, ExAC 0.006%). This variant has not been reported in the literature in individuals with ADAMTS2-related conditions. Algorithms developed to predict the effect of missense changes on protein structure and function (SIFT, PolyPhen-2, Align-GVGD) all suggest that this variant is likely to be disruptive, but these predictions have not been confirmed by published functional studies and their clinical significance is uncertain. In summary, the available evidence is currently insufficient to determine the role of this variant in disease. Therefore, it has been classified as a Variant of Uncertain Significance.